The following is an entry in ClinVar:

NM_002658.6(PLAU):c.583G>A (p.Ala195Thr)

Genes: C10orf55 (chromosome 10 putative open reading frame 55; minus strand), PLAU (plasminogen activator, urokinase; plus strand), LOC126860960 (BRD4-independent group 4 enhancer GRCh37_chr10:75672789-75673988; plus strand). Cytogenetic location: 10q22.2.
Variant type: single nucleotide variant.
Coding change: c.583G>A on transcript NM_002658.6 (MANE Select); coding-DNA position 583, G replaced by A.
Protein change: p.Ala195Thr; replaces alanine 195 with threonine.
Molecular consequence: missense variant.
Genome position (GRCh38, 1-based): chr10:73,913,661, G>A. VCF-style: chr10-73913661-G-A. GRCh37 (hg19) VCF-style: chr10-75673419-G-A.
Other names: p.Ala195Thr; c.532G>A, p.Ala178Thr (NM_001145031.3); c.325G>A, p.Ala109Thr (NM_001319191.2, NM_001441158.1, NM_001441159.1); c.583G>A, p.Ala195Thr (NM_001441154.1, NM_001441155.1, NM_001441156.1 and 2 more transcripts); short protein forms A109T, A178T, A195T.
Identifiers: ClinVar variation 4541552 (VCV004541552.1).
Genomic context (GRCh38, chr10:73,913,661, plus strand): 5'-CCCCGCTTTAAGATTATTGGGGGAGAATTCACCACCATCGAGAACCAGCCCTGGTTTGCG[G>A]CCATCTACAGGAGGCACCGGGGGGGCTCTGTCACCTACGTGTGTGGAGGCAGCCTCATCA-3'
Protein context (NP_002649.2, residues 185-205): TTIENQPWFA[Ala195Thr]IYRRHRGGSV

ClinVar aggregate classification (germline): Uncertain significance (1 of 4 stars; one submission).

gnomAD v4.1: 15 of 1,613,940 alleles (0.00093%); highest among the groups gnomAD compares: Non-Finnish European, 0.0013%; no homozygotes.

Submission:

Mayo Clinic Laboratories, Mayo Clinic
Classification: Uncertain significance. Last evaluated: 2025-02-24. Review status: criteria provided, single submitter. Criteria: ACMG Guidelines, 2015. Collection method: clinical testing. Allele origin: germline. Observed: 1 variant allele.
Comment: PP3